The following is an entry in ClinVar:

ClinVar aggregate classification (germline): Uncertain significance (1 of 4 stars; one submission).

Submission:

Greenwood Genetic Center Diagnostic Laboratories, Greenwood Genetic Center
Classification: Uncertain significance. Last evaluated: 2022-12-09. Review status: criteria provided, single submitter. Criteria: ACMG Guidelines, 2015. Collection method: clinical testing. Allele origin: germline. Affected: yes.
Comment: PM2, PP2

NM_198503.5(KCNT2):c.1616G>T (p.Gly539Val)

Gene: KCNT2 (potassium sodium-activated channel subfamily T member 2; minus strand). Cytogenetic location: 1q31.3.
Variant type: single nucleotide variant.
Coding change: c.1616G>T on transcript NM_198503.5 (MANE Select); coding-DNA position 1616, G replaced by T.
Protein change: p.Gly539Val; replaces glycine 539 with valine.
Molecular consequence: missense variant. On other transcripts: non-coding transcript variant (2).
Genome position (GRCh38, 1-based): chr1:196,340,508, C>A on the plus strand (G>T on the coding strand, the complement: KCNT2 is on the minus strand). VCF-style: chr1-196340508-C-A. GRCh37 (hg19) VCF-style: chr1-196309638-C-A.
Other names: c.1616G>T, p.Gly539Val (NM_001287819.3); c.1466G>T, p.Gly489Val (NM_001287820.3); short protein forms G489V, G539V.
Identifiers: ClinVar variation 2429020 (VCV002429020.4), dbSNP rs2527043198, ClinGen allele CA343979304.
Genomic context (GRCh38, chr1:196,340,508, plus strand): 5'-TCTTCTTTGGTAATATTAATATAAAAGCATATGTCTGTAGAATTCATAATGTATCGAGGA[C>A]CTGGATTCAGCAAAATGTTTTTATTATCCTCCCTCCTAACACCAATCAAGCAGACGCCAA-3'
Protein context (NP_940905.2, residues 529-549): EDNKNILLNP[Gly539Val]PRYIMNSTDI